The following is an entry in ClinVar:

ClinVar aggregate classification (germline): Uncertain significance (1 of 4 stars; one submission).

Submission:

Labcorp Genetics (formerly Invitae), Labcorp
Classification: Uncertain significance. Last evaluated: 2024-12-03. Review status: criteria provided, single submitter. Criteria: Invitae Variant Classification Sherloc (09022015). Collection method: clinical testing. Allele origin: germline.
Comment: This sequence change replaces glutamic acid, which is acidic and polar, with lysine, which is basic and polar, at codon 91 of the MBD4 protein (p.Glu91Lys). This variant is not present in population databases (gnomAD no frequency). This variant has not been reported in the literature in individuals affected with MBD4-related conditions. An algorithm developed to predict the effect of missense changes on protein structure and function outputs the following: PolyPhen-2: "Benign". The lysine amino acid residue is found in multiple mammalian species, which suggests that this missense change does not adversely affect protein function. In summary, the available evidence is currently insufficient to determine the role of this variant in disease. Therefore, it has been classified as a Variant of Uncertain Significance.

NM_001276270.2(MBD4):c.271G>A (p.Glu91Lys)

Gene: MBD4 (methyl-CpG binding domain 4, DNA glycosylase; minus strand). Cytogenetic location: 3q21.3.
Variant type: single nucleotide variant.
Coding change: c.271G>A on transcript NM_001276270.2 (MANE Select); coding-DNA position 271, G replaced by A.
Protein change: p.Glu91Lys; replaces glutamic acid 91 with lysine.
Molecular consequence: missense variant. On other transcripts: intron variant (1).
Genome position (GRCh38, 1-based): chr3:129,437,784, C>T on the plus strand (G>A on the coding strand, the complement: MBD4 is on the minus strand). VCF-style: chr3-129437784-C-T. GRCh37 (hg19) VCF-style: chr3-129156627-C-T.
Other names: c.271G>A, p.Glu91Lys (NM_001276271.2, NM_001276272.2, NM_003925.3); c.247+24G>A (NM_001276273.2); short protein forms E91K.
Identifiers: ClinVar variation 3726537 (VCV003726537.2).